The following is an entry in ClinVar:

ClinVar aggregate classification (germline): Likely benign (0 of 4 stars; one submission).

Conditions:
SLC25A5-related disorder. Also called: SLC25A5-related condition.

Allele frequency attached by ClinVar (database versions not stated): gnomAD exomes 0.01254; ExAC 0.03885; 1000 Genomes Project 30x 0.21602.

Submission:

PreventionGenetics, part of Exact Sciences
Classification: Likely benign for SLC25A5-related condition. Last evaluated: 2020-01-22. Review status: no assertion criteria provided. Collection method: clinical testing. Allele origin: germline.
Comment: This variant is classified as likely benign based on ACMG/AMP sequence variant interpretation guidelines (Richards et al. 2015 PMID: 25741868, with internal and published modifications).

NM_001152.5(SLC25A5):c.318A>G (p.Arg106=)

Gene: SLC25A5 (solute carrier family 25 member 5; plus strand). Cytogenetic location: Xq24.
Variant type: single nucleotide variant.
Coding change: c.318A>G on transcript NM_001152.5 (MANE Select); coding-DNA position 318, A replaced by G.
Protein change: p.Arg106=; no amino-acid change (arginine 106 retained).
Molecular consequence: synonymous variant.
Genome position (GRCh38, 1-based): chrX:119,469,867, A>G. VCF-style: chrX-119469867-A-G. GRCh37 (hg19) VCF-style: chrX-118603830-A-G.
Identifiers: ClinVar variation 3060501 (VCV003060501.2), dbSNP rs73637847, ClinGen allele CA10502053.